The following is an entry in ClinVar:

ClinVar aggregate classification (germline): Uncertain significance (1 of 4 stars; one submission).

Conditions:
EGFR-related lung cancer (EGFR). Identifiers: MedGen CN130014.

gnomAD v4.1: 1 of 1,613,716 alleles (0.000062%); highest among the groups gnomAD compares: Non-Finnish European, 0.000085%; no homozygotes.

Submission:

Labcorp Genetics (formerly Invitae), Labcorp
Classification: Uncertain significance for EGFR-related lung cancer. Last evaluated: 2023-01-09. Review status: criteria provided, single submitter. Criteria: Invitae Variant Classification Sherloc (09022015). Collection method: clinical testing. Allele origin: germline.
Comment: In summary, the available evidence is currently insufficient to determine the role of this variant in disease. Therefore, it has been classified as a Variant of Uncertain Significance. Advanced modeling of protein sequence and biophysical properties (such as structural, functional, and spatial information, amino acid conservation, physicochemical variation, residue mobility, and thermodynamic stability) performed at Invitae indicates that this missense variant is not expected to disrupt EGFR protein function. This variant has not been reported in the literature in individuals affected with EGFR-related conditions. This sequence change replaces arginine, which is basic and polar, with proline, which is neutral and non-polar, at codon 222 of the EGFR protein (p.Arg222Pro). This variant is not present in population databases (gnomAD no frequency).

NM_005228.5(EGFR):c.665G>C (p.Arg222Pro)

Gene: EGFR (epidermal growth factor receptor; plus strand). Cytogenetic location: 7p11.2.
Variant type: single nucleotide variant.
Coding change: c.665G>C on transcript NM_005228.5 (MANE Select); coding-DNA position 665, G replaced by C.
Protein change: p.Arg222Pro; replaces arginine 222 with proline.
Molecular consequence: missense variant. On other transcripts: intron variant (1).
Genome position (GRCh38, 1-based): chr7:55,152,582, G>C. VCF-style: chr7-55152582-G-C. GRCh37 (hg19) VCF-style: chr7-55220275-G-C.
Other names: c.530G>C, p.Arg177Pro (NM_001346897.2, NM_001346899.2); c.665G>C, p.Arg222Pro (NM_001346898.2, NM_201282.2, NM_201283.2 and 1 more transcripts); c.506G>C, p.Arg169Pro (NM_001346900.2); c.89-3248G>C (NM_001346941.2); short protein forms R169P, R177P, R222P.
Identifiers: ClinVar variation 2827168 (VCV002827168.3), dbSNP rs751295137, ClinGen allele CA367577393.